The following is an entry in ClinVar:

NM_172369.5(C1QC):c.198C>T (p.Pro66=)

Gene: C1QC (complement C1q C chain; plus strand). Cytogenetic location: 1p36.12.
Variant type: single nucleotide variant.
Coding change: c.198C>T on transcript NM_172369.5 (MANE Select); coding-DNA position 198, C replaced by T.
Protein change: p.Pro66=; no amino-acid change (proline 66 retained).
Molecular consequence: synonymous variant. On other transcripts: 5 prime UTR variant (1).
Genome position (GRCh38, 1-based): chr1:22,647,243, C>T. VCF-style: chr1-22647243-C-T. GRCh37 (hg19) VCF-style: chr1-22973736-C-T.
Other names: c.198C>T, p.Pro66= (NM_001114101.3, NM_001347619.2); c.-70C>T (NM_001347620.2).
Identifiers: ClinVar variation 1599281 (VCV001599281.24), dbSNP rs536551988, ClinGen allele CA677923.

ClinVar aggregate classification (germline): Benign/Likely benign. Review status: criteria provided, multiple submitters, no conflicts (2 of 4 stars). 2 submissions from 2 submitters: Benign (1); Likely benign (1). Last evaluated 2025-12-15.

Allele frequency attached by ClinVar (database versions not stated): gnomAD 0.00003 and 0.00021; TOPMed 0.00003; gnomAD exomes 0.00035 and 0.00076; ExAC 0.00073; 1000 Genomes Project 30x 0.00078; 1000 Genomes Project 0.00080.
gnomAD v4.1: 545 of 1,606,372 alleles (0.034%); highest among the groups gnomAD compares: South Asian, 0.55%; 13 homozygotes.

Submissions (2):

Labcorp Genetics (formerly Invitae), Labcorp
Classification: Benign. Last evaluated: 2025-12-15. Review status: criteria provided, single submitter. Criteria: Invitae Variant Classification Sherloc (09022015). Collection method: clinical testing. Allele origin: germline.

CeGaT Center for Human Genetics Tuebingen
Classification: Likely benign. Last evaluated: 2024-08-01. Review status: criteria provided, single submitter. Criteria: CeGaT Center For Human Genetics Tuebingen Variant Classification Criteria Version 2. Collection method: clinical testing. Allele origin: germline. Affected: yes. Observed: 1 variant allele.
Comment: C1QC: BS2